The following is an entry in ClinVar:

NM_001375567.1(FOCAD):c.41C>G (p.Ser14Cys)

Gene: FOCAD (focadhesin; plus strand). Cytogenetic location: 9p21.3.
Variant type: single nucleotide variant.
Coding change: c.41C>G on transcript NM_001375567.1 (MANE Select); coding-DNA position 41, C replaced by G.
Protein change: p.Ser14Cys; replaces serine 14 with cysteine.
Molecular consequence: missense variant.
Genome position (GRCh38, 1-based): chr9:20,715,394, C>G. VCF-style: chr9-20715394-C-G. GRCh37 (hg19) VCF-style: chr9-20715393-C-G.
Other names: c.41C>G, p.Ser14Cys (NM_001375568.1, NM_001375570.1, NM_017794.5); short protein forms S14C.
Identifiers: ClinVar variation 4799172 (VCV004799172.1).
Genomic context (GRCh38, chr9:20,715,394, plus strand): 5'-TACATGTAAGAGAAGCAAAAATGTCAGATGATATCAGGAAAAGGTTTGAATTTCCAAATT[C>G]TCTTATCCAATCACAGGTAATTTTGTTTGTTTATTTTTGCTCATGGTAACAAATAAACCT-3'
Protein context (NP_001362496.1, residues 4-24): DIRKRFEFPN[Ser14Cys]LIQSQAVGHL

ClinVar aggregate classification (germline): Uncertain significance (1 of 4 stars; one submission).

gnomAD v4.1: 5 of 1,517,520 alleles (0.00033%); highest among the groups gnomAD compares: South Asian, 0.0028%; no homozygotes.

Submission:

Labcorp Genetics (formerly Invitae), Labcorp
Classification: Uncertain significance. Last evaluated: 2025-07-13. Review status: criteria provided, single submitter. Criteria: Invitae Variant Classification Sherloc (09022015). Collection method: clinical testing. Allele origin: germline.
Comment: This sequence change replaces serine, which is neutral and polar, with cysteine, which is neutral and slightly polar, at codon 14 of the FOCAD protein (p.Ser14Cys). This variant is not present in population databases (gnomAD no frequency). This variant has not been reported in the literature in individuals affected with FOCAD-related conditions. Experimental studies and prediction algorithms are not available or were not evaluated, and the functional significance of this variant is currently unknown. In summary, the available evidence is currently insufficient to determine the role of this variant in disease. Therefore, it has been classified as a Variant of Uncertain Significance.